The following is an entry in ClinVar:

NM_019098.5(CNGB3):c.887_896del (p.Thr296fs)

Gene: CNGB3 (cyclic nucleotide gated channel subunit beta 3; minus strand). Cytogenetic location: 8q21.3.
Variant type: Deletion.
Coding change: c.887_896del on transcript NM_019098.5 (MANE Select); coding-DNA positions 887 to 896, 10 bases deleted (CTTCTACAAA; older notation c.887_896delCTTCTACAAA).
Protein change: p.Thr296fs; shifts the reading frame from threonine 296.
Molecular consequence: frameshift variant.
Genome position (GRCh38, 1-based): chr8:86,654,019-86,654,028, TTTGTAGAAG deleted on the plus strand (CTTCTACAAA on the coding strand, the reverse complement: CNGB3 is on the minus strand); deleting any 10 consecutive bases within chr8:86,654,019-86,654,029 gives the same sequence; the c. name uses the placement nearest the transcript's 3' end. VCF-style (leftmost placement, unchanged base first): chr8-86654018-TTTTGTAGAAG-T. GRCh37 (hg19) VCF-style: chr8-87666246-TTTTGTAGAAG-T.
Other names: c.887_896del10 (NM_019098.5); short protein forms T296fs.
Identifiers: ClinVar variation 4887133 (VCV004887133.1).

ClinVar aggregate classification (germline): Pathogenic (1 of 4 stars; one submission).

Conditions:
Achromatopsia 3 (ACHM3). Also called: ACHROMATOPSIA WITH MYOPIA; PINGELAPESE BLINDNESS; TOTAL COLORBLINDNESS WITH MYOPIA; ROD MONOCHROMACY 1; ROD MONOCHROMATISM 1. Identifiers: Orphanet 49382, MedGen C1849792, MONDO:0009875, OMIM 262300.

Submission:

Women's Health and Genetics/Laboratory Corporation of America, LabCorp
Classification: Pathogenic for Achromatopsia 3. Last evaluated: 2026-06-18. Review status: criteria provided, single submitter. Criteria: LabCorp Variant Classification Summary - May 2015. Collection method: clinical testing. Allele origin: germline.
Comment: Variant summary: CNGB3 c.887_896del10 (p.Thr296AsnfsX9) results in a premature termination codon, predicted to cause a truncation of the encoded protein or absence of the protein due to nonsense mediated decay, which are commonly known mechanisms for disease. The frequency data for this variant in gnomAD is considered unreliable, as metrics indicate poor data quality at this position. c.887_896del10 has been observed in individual(s) affected with CNGB3-related conditions (Hitti-Malin_2022). To our knowledge, no experimental evidence demonstrating an impact on protein function has been reported. The following publication have been ascertained in the context of this evaluation (PMID: 36259723). No submitters have cited clinical-significance assessments for this variant to ClinVar. Based on the evidence outlined above, the variant was classified as pathogenic.

Literature cited by the submitters: PubMed 36259723.